The following is an entry in ClinVar:

NM_003587.5(DHX16):c.1661C>T (p.Thr554Ile)

Gene: DHX16 (DEAH-box helicase 16; minus strand). Cytogenetic location: 6p21.33.
Variant type: single nucleotide variant.
Coding change: c.1661C>T on transcript NM_003587.5 (MANE Select); coding-DNA position 1661, C replaced by T.
Protein change: p.Thr554Ile; replaces threonine 554 with isoleucine.
Molecular consequence: missense variant.
Genome position (GRCh38, 1-based): chr6:30,660,126, G>A on the plus strand (C>T on the coding strand, the complement: DHX16 is on the minus strand). VCF-style: chr6-30660126-G-A. GRCh37 (hg19) VCF-style: chr6-30627903-G-A.
Other names: NM_001363515.2:c.218C>T; c.1481C>T, p.Thr494Ile (NM_001164239.2); c.218C>T, p.Thr73Ile (NM_001363515.2); short protein forms T494I, T554I, T73I.
Identifiers: ClinVar variation 3383310 (VCV003383310.1).

ClinVar aggregate classification (germline): Uncertain significance (1 of 4 stars; one submission).

Conditions:
Neuromuscular disease and ocular or auditory anomalies with or without seizures. Also called: NEUROMUSCULAR OCULOAUDITORY SYNDROME. Identifiers: MedGen C5231483, MONDO:0032890, OMIM 618733.

Submission:

Broad Center for Mendelian Genomics, Broad Institute of MIT and Harvard
Classification: Uncertain significance for Neuromuscular disease and ocular or auditory anomalies with or without seizures. Last evaluated: 2024-11-25. Review status: criteria provided, single submitter. Criteria: ACMG Guidelines, 2015. Collection method: curation. Allele origin: germline. Inheritance: Autosomal dominant inheritance. Study: GREGoR Consortium.
Comment: Trio exome analysis showed this variant to be de novo. The variant has been reported in 1 individual with neuromuscular disease and ocular or auditory anomalies with or without seizures (PMID: 33057194), and was absent from large population studies. Computational prediction tools and conservation analyses suggest that this variant may impact the protein, though this information is not predictive enough to determine pathogenicity. The number of missense variants reported in DHX16 in the general population is lower than expected, suggesting there is little benign variation in this gene and slightly increasing the possibility that a missense variant in this gene may not be tolerated. In summary, although additional studies are required to fully establish its clinical significance, this variant is likely pathogenic. ACMG/AMP Criteria applied: PS2_moderate, PP2, PP3, PM2_supporting (Richards 2015).